The following is an entry in ClinVar:

NM_001308120.2(TOGARAM1):c.2246C>T (p.Ala749Val)

Gene: TOGARAM1 (TOG array regulator of axonemal microtubules 1; plus strand). Cytogenetic location: 14q21.2.
Variant type: single nucleotide variant.
Coding change: c.2246C>T on transcript NM_001308120.2 (MANE Select); coding-DNA position 2246, C replaced by T.
Protein change: p.Ala749Val; replaces alanine 749 with valine.
Molecular consequence: missense variant. On other transcripts: non-coding transcript variant (1).
Genome position (GRCh38, 1-based): chr14:44,999,405, C>T. VCF-style: chr14-44999405-C-T. GRCh37 (hg19) VCF-style: chr14-45468608-C-T.
Other names: c.2246C>T, p.Ala749Val (NM_015091.4); short protein forms A749V.
Identifiers: ClinVar variation 3067719 (VCV003067719.21), dbSNP rs767290731, ClinGen allele CA7167234.
Genomic context (GRCh38, chr14:44,999,405, plus strand): 5'-CCTTCCTTTCTTCAAAAGGTACTACTGGGACTCATCAAACAAATCTTTCTGGGAAATGTG[C>T]ACAACTTGGATTTTCACAAATATGTGGTAAAACTGGCAGTGTGGGTTCTGACTTACAATT-3'
Protein context (NP_001295049.1, residues 739-759): THQTNLSGKC[Ala749Val]QLGFSQICGK

ClinVar aggregate classification (germline): Uncertain significance (1 of 4 stars; one submission).

Allele frequency attached by ClinVar (database versions not stated): ExAC 0.00001.
gnomAD v4.1: 2 of 1,610,316 alleles (0.00012%); highest among the groups gnomAD compares: Non-Finnish European, 0.00017%; no homozygotes.

Submission:

CeGaT Center for Human Genetics Tuebingen
Classification: Uncertain significance. Last evaluated: 2024-03-01. Review status: criteria provided, single submitter. Criteria: CeGaT Center For Human Genetics Tuebingen Variant Classification Criteria Version 2. Collection method: clinical testing. Allele origin: germline. Affected: yes. Observed: 1 variant allele.
Comment: TOGARAM1: PM2, BP4